The following is an entry in ClinVar:

NM_003070.5(SMARCA2):c.685_686insCGC (p.Gln228_Gln229insPro)

Gene: SMARCA2 (SWI/SNF related BAF chromatin remodeling complex subunit ATPase 2; plus strand). Cytogenetic location: 9p24.3.
Variant type: Insertion.
Coding change: c.685_686insCGC on transcript NM_003070.5 (MANE Select); coding-DNA positions 685 to 686, CGC inserted.
Protein change: p.Gln228_Gln229insPro.
Molecular consequence: inframe insertion. On other transcripts: inframe indel (1).
Genome position: GRCh38 VCF-style: chr9-2039793-A-AGCC. GRCh37 (hg19) VCF-style: chr9-2039793-A-AGCC.
Other names: p.Gln228_Gln229insPro; c.685_686insCGC, p.Gln228_Gln229insPro (NM_001289396.2, NM_001289397.2, NM_139045.4).
Identifiers: ClinVar variation 588299 (VCV000588299.16), dbSNP rs751906633, ClinGen allele CA4962931.

ClinVar aggregate classification (germline): Conflicting classifications of pathogenicity. Review status: criteria provided, conflicting classifications (1 of 4 stars). 6 submissions from 6 submitters: Uncertain significance (1); Benign (2); Likely benign (1). 2 of the submissions do not count toward it. Last evaluated 2024-01-16.

Conditions:
Inborn genetic diseases. Identifiers: MedGen C0950123, MeSH D030342.

Submissions (6):

Mayo Clinic Laboratories, Mayo Clinic
Classification: Benign. Last evaluated: 2024-01-16. Review status: criteria provided, single submitter. Criteria: ACMG Guidelines, 2015. Collection method: clinical testing. Allele origin: germline. Observed: 3 variant alleles.
Comment: BS1, BS2, BP4, BP5

Labcorp Genetics (formerly Invitae), Labcorp
Classification: Uncertain significance. Last evaluated: 2021-10-29. Review status: criteria provided, single submitter. Criteria: Invitae Variant Classification Sherloc (09022015). Collection method: clinical testing. Allele origin: germline.
Comment: In summary, the available evidence is currently insufficient to determine the role of this variant in disease. Therefore, it has been classified as a Variant of Uncertain Significance. Experimental studies and prediction algorithms are not available or were not evaluated, and the functional significance of this variant is currently unknown. ClinVar contains an entry for this variant (Variation ID: 588299). This variant has not been reported in the literature in individuals affected with SMARCA2-related conditions. The frequency data for this variant in the population databases is considered unreliable, as metrics indicate poor data quality at this position in the gnomAD database. This variant, c.685_686insCGC, results in the insertion of 1 amino acid(s) of the SMARCA2 protein (p.Gln228_Gln229insPro), but otherwise preserves the integrity of the reading frame.

GeneDx
Classification: Likely benign. Last evaluated: 2020-05-09. Review status: criteria provided, single submitter. Criteria: GeneDx Variant Classification Process June 2021. Collection method: clinical testing. Allele origin: germline. Affected: yes.

Ambry Genetics
Classification: Benign for Inborn genetic diseases. Last evaluated: 2016-09-27. Review status: criteria provided, single submitter. Criteria: Ambry Variant Classification Scheme 2023. Collection method: clinical testing. Allele origin: germline.

Clinical Genetics DNA and cytogenetics Diagnostics Lab, Erasmus MC, Erasmus Medical Center
Classification: Benign. Review status: no assertion criteria provided. Collection method: clinical testing. Allele origin: germline. Affected: yes. Study: VKGL Data-share Consensus. Not counted in ClinVar's aggregate classification.

Diagnostic Laboratory, Department of Genetics, University Medical Center Groningen
Classification: Benign. Review status: no assertion criteria provided. Collection method: clinical testing. Allele origin: germline. Affected: yes. Study: VKGL Data-share Consensus. Not counted in ClinVar's aggregate classification.

Literature cited by the submitters: PubMed 29549119 (cited by Mayo Clinic Laboratories, Mayo Clinic).